The following is an entry in ClinVar:

NM_001171.6(ABCC6):c.3306+1del

Gene: ABCC6 (ATP binding cassette subfamily C member 6; minus strand). Cytogenetic location: 16p13.11.
Variant type: Deletion.
Coding change: c.3306+1del on transcript NM_001171.6 (MANE Select); the canonical splice donor site of the intron after coding-DNA position 3306, one base deleted (G; older notation c.3306+1delG).
Molecular consequence: splice donor variant.
Genome position (GRCh38, 1-based): chr16:16,165,622, C deleted on the plus strand (G on the coding strand, the reverse complement: ABCC6 is on the minus strand); the first of 2 consecutive C bases (chr16:16,165,622-16,165,623); deleting either gives the same sequence. VCF-style (leftmost placement, unchanged base first): chr16-16165621-AC-A. GRCh37 (hg19) VCF-style: chr16-16259478-AC-A.
Other names: c.3306+1delG (NM_001171.5); c.2964+1del (NM_001351800.1).
Identifiers: ClinVar variation 208558 (VCV000208558.5), dbSNP rs797045078, ClinGen allele CA319681.

ClinVar aggregate classification (germline): Pathogenic/Likely pathogenic. Review status: criteria provided, multiple submitters, no conflicts (2 of 4 stars). 2 submissions from 2 submitters: Pathogenic (1); Likely pathogenic (1). Last evaluated 2026-01-15.

Conditions:
ABCC6-related disorder. Also called: ABCC6-related condition.
Autosomal recessive inherited pseudoxanthoma elasticum (PXE). Identifiers: Orphanet 758, MedGen CN032334, MONDO:0009925, OMIM 264800.

Submissions (2):

PreventionGenetics, part of Exact Sciences
Classification: Likely pathogenic for ABCC6-related condition. Last evaluated: 2026-01-15. Review status: criteria provided, single submitter. Criteria: ACMG Guidelines, 2015. Collection method: clinical testing. Allele origin: germline.
Comment: The ABCC6 c.3306+1delG variant is predicted to result in a deletion affecting a canonical splice site. To our knowledge, this variant has not been reported in the literature. This variant is predicted to disrupt the canonical GT donor splice site (SpliceAI, Jaganathan et al. 2019. PubMed ID: 30661751). This variant is absent in a large population database (gnomAD), indicating this variant is rare. This variant is interpreted as likely pathogenic.

Laboratory for Molecular Medicine, Mass General Brigham Personalized Medicine
Classification: Pathogenic for Pseudoxanthoma elasticum. Last evaluated: 2014-12-15. Review status: criteria provided, single submitter. Criteria: LMM Criteria. Collection method: clinical testing. Allele origin: germline. Inheritance: Autosomal recessive inheritance. Observed: 1 variant allele. Study: CSER-MedSeq.
Comment: The c.3306+1del variant in ABCC6 has not been previously reported in individuals with disease and was absent from large population studies. This variant occurs in the invariant region (+/- 1,2) of the splice consensus sequence and is predicted to cause altered splicing leading to an abnormal or absent protein. Loss-of-function variants in ABCC6 have been associated with autosomal recessive pseudoxanthoma elasticum. In summary, this variant meets our criteria to be classified as pathogenic for pseudoxanthoma elasticum in an autosomal recessive manner. It should be noted that some studies have reported mild manifestations in carriers of pathogenic ABCC6 variants (Van Soest 1997, Bacchelli 1999, Sherer 2001, Trip 2002); however, a more recent study refutes this claim (Miksch 2005).